The following is an entry in ClinVar:

NM_015041.3(CLUAP1):c.810ACA[1] (p.Gln272del)

Gene: CLUAP1 (clusterin associated protein 1; plus strand). Cytogenetic location: 16p13.3.
Variant type: Microsatellite.
Coding change: c.810ACA[1] on transcript NM_015041.3 (MANE Select); one copy of the 3-base unit ACA starting at c.810; the reference has two copies in a row; one copy, 3 bases deleted.
Protein change: p.Gln272del; deletes glutamine 272.
Molecular consequence: inframe deletion.
Genome position (GRCh38, 1-based): chr16:3,523,257-3,523,259, ACA deleted; deleting any 3 consecutive bases within chr16:3,523,253-3,523,259 gives the same sequence; the position shown is the placement nearest the transcript's 3' end. VCF-style (leftmost placement, unchanged base first): chr16-3523252-GAAC-G. GRCh37 (hg19) VCF-style: chr16-3573252-GAAC-G.
Other names: c.810ACA[1], p.Gln272del (NM_001330454.2); c.312ACA[1], p.Gln106del (NM_024793.3); short protein forms Q106del, Q272del.
Identifiers: ClinVar variation 1475278 (VCV001475278.6), dbSNP rs2151060413, ClinGen allele CA2580613407.

ClinVar aggregate classification (germline): Uncertain significance (1 of 4 stars; one submission).

Submission:

Labcorp Genetics (formerly Invitae), Labcorp
Classification: Uncertain significance. Last evaluated: 2021-09-15. Review status: criteria provided, single submitter. Criteria: Invitae Variant Classification Sherloc (09022015). Collection method: clinical testing. Allele origin: germline.
Comment: This variant, c.813_815del, results in the deletion of 1 amino acid(s) of the CLUAP1 protein (p.Gln272del), but otherwise preserves the integrity of the reading frame. This variant is not present in population databases (ExAC no frequency). This variant has not been reported in the literature in individuals affected with CLUAP1-related conditions. Experimental studies and prediction algorithms are not available or were not evaluated, and the functional significance of this variant is currently unknown. In summary, the available evidence is currently insufficient to determine the role of this variant in disease. Therefore, it has been classified as a Variant of Uncertain Significance.